The following is an entry in ClinVar:

ClinVar aggregate classification (germline): Pathogenic/Likely pathogenic. Review status: criteria provided, multiple submitters, no conflicts (2 of 4 stars). 2 submissions from 2 submitters: Pathogenic (1); Likely pathogenic (1). Last evaluated 2025-05-07.

Conditions:
Myofibrillar myopathy 5. Also called: FILAMINOPATHY, AUTOSOMAL DOMINANT; Filaminopathy (type). Identifiers: Orphanet 171445, MedGen C1836050, MONDO:0012289, OMIM 609524.
Distal myopathy with posterior leg and anterior hand involvement. Also called: WILLIAMS DISTAL MYOPATHY. Identifiers: Orphanet 63273, MedGen C3279722, MONDO:0013550, OMIM 614065.
Hypertrophic cardiomyopathy 26. Also called: Cardiomyopathy, familial hypertrophic, 26. Identifiers: Orphanet 75249, MedGen C4310749, MONDO:0014883, OMIM 617047.

Submissions (2):

GeneDx
Classification: Likely pathogenic. Last evaluated: 2025-05-07. Review status: criteria provided, single submitter. Criteria: GeneDx Variant Classification Process June 2021. Collection method: clinical testing. Allele origin: germline. Affected: yes.
Comment: Frameshift variant predicted to result in protein truncation or nonsense mediated decay in a gene for which loss of function is a known mechanism of disease; Not observed at significant frequency in large population cohorts (gnomAD); Has not been previously published as pathogenic or benign in association with an FLNC-related disorder to our knowledge; This variant is associated with the following publications: (PMID: 35699965)

Labcorp Genetics (formerly Invitae), Labcorp
Classification: Pathogenic for Distal myopathy with posterior leg and anterior hand involvement; Myofibrillar myopathy 5; Hypertrophic cardiomyopathy 26. Last evaluated: 2023-05-08. Review status: criteria provided, single submitter. Criteria: Invitae Variant Classification Sherloc (09022015). Collection method: clinical testing. Allele origin: germline.
Comment: For these reasons, this variant has been classified as Pathogenic. ClinVar contains an entry for this variant (Variation ID: 942365). This variant has not been reported in the literature in individuals affected with FLNC-related conditions. This variant is not present in population databases (gnomAD no frequency). This sequence change creates a premature translational stop signal (p.Arg1995Alafs*21) in the FLNC gene. It is expected to result in an absent or disrupted protein product. Loss-of-function variants in FLNC are known to be pathogenic (PMID: 27908349).

Literature cited by the submitters: PubMed 27908349 (cited by Labcorp Genetics (formerly Invitae), Labcorp).

NM_001458.5(FLNC):c.5983del (p.Arg1995fs)

Genes: FLNC-AS1 (FLNC antisense RNA 1; minus strand), FLNC (filamin C; plus strand). Cytogenetic location: 7q32.1.
Variant type: Deletion.
Coding change: c.5983del on transcript NM_001458.5 (MANE Select); coding-DNA position 5983, one base deleted (C; older notation c.5983delC).
Protein change: p.Arg1995fs; shifts the reading frame from arginine 1995.
Molecular consequence: frameshift variant.
Genome position (GRCh38, 1-based): chr7:128,852,731, C deleted. VCF-style (leftmost placement, unchanged base first): chr7-128852730-GC-G. GRCh37 (hg19) VCF-style: chr7-128492784-GC-G.
Other names: c.5884del, p.Arg1962fs (NM_001127487.2); short protein forms R1962fs, R1995fs.
Identifiers: ClinVar variation 942365 (VCV000942365.9), dbSNP rs1808872966, ClinGen allele CA1139660259.
Genomic context (GRCh38, chr7:128,852,730, plus strand): 5'-GAGCCAGCTGACCGCCAGCATCCGTGCCCCCTCGGGCAACGAGGAGCCCTGCCTGCTGAA[GC>G]GCCTGCCCAACCGGCACATTGGTGAGCGTGGGGCCTCACGGGGACCTCAGGGGTGGGGGC-3'